The following is an entry in ClinVar:

NM_023110.3(FGFR1):c.818_819dup (p.Glu274fs)

Gene: FGFR1 (fibroblast growth factor receptor 1; minus strand). Cytogenetic location: 8p11.23.
Variant type: Duplication.
Coding change: c.818_819dup on transcript NM_023110.3 (MANE Select); coding-DNA positions 818 to 819, 2 bases duplicated (TG; older notation c.818_819dupTG).
Protein change: p.Glu274fs; shifts the reading frame from glutamic acid 274.
Molecular consequence: frameshift variant.
Genome position (GRCh38, 1-based): chr8:38,424,626-38,424,627, CA duplicated on the plus strand (TG on the coding strand, the reverse complement: FGFR1 is on the minus strand); duplicating any 2 consecutive bases within chr8:38,424,626-38,424,628 gives the same sequence; the c. name uses the placement nearest the transcript's 3' end. VCF-style (leftmost placement, unchanged base first): chr8-38424625-C-CCA. GRCh37 (hg19) VCF-style: chr8-38282143-C-CCA.
Other names: c.818_819dup, p.Glu274fs (NM_001174063.2); c.794_795dup, p.Glu266fs (NM_001174064.2); c.812_813dup, p.Glu272fs (NM_001174065.2, NM_001354367.2, NM_001354369.2 and 2 more transcripts); c.551_552dup, p.Glu185fs (NM_001174066.2, NM_023105.3); c.911_912dup, p.Glu305fs (NM_001174067.2); c.545_546dup, p.Glu183fs (NM_001354368.2, NM_001354370.2, NM_023106.3); short protein forms E183fs, E185fs, E266fs, E272fs, E274fs, E305fs.
Identifiers: ClinVar variation 3754529 (VCV003754529.2).

ClinVar aggregate classification (germline): Pathogenic (1 of 4 stars; one submission).

Conditions:
Pfeiffer syndrome (ACS5). Also called: ACS V. Identifiers: Orphanet 710, MedGen C0220658, MONDO:0007043, OMIM 101600.
Hypogonadotropic hypogonadism 2 with or without anosmia (HH2). Also called: FGFR1-Related GnRH Deficiency (Kallmann Syndrome 2); HYPOGONADOTROPIC HYPOGONADISM 2 WITH OR WITHOUT ANOSMIA, SUSCEPTIBILITY TO; HYPOGONADOTROPIC HYPOGONADISM 2 WITHOUT ANOSMIA; HYPOGONADOTROPIC HYPOGONADISM 2 WITHOUT ANOSMIA, SUSCEPTIBILITY TO. Identifiers: Orphanet 478, MedGen C1563720, MONDO:0007844, OMIM 147950. Disease mechanism: loss of function.

Submission:

Labcorp Genetics (formerly Invitae), Labcorp
Classification: Pathogenic for Pfeiffer syndrome; Hypogonadotropic hypogonadism 2 with or without anosmia. Last evaluated: 2024-02-15. Review status: criteria provided, single submitter. Criteria: Invitae Variant Classification Sherloc (09022015). Collection method: clinical testing. Allele origin: germline.
Comment: This sequence change creates a premature translational stop signal (p.Glu274Trpfs*18) in the FGFR1 gene. It is expected to result in an absent or disrupted protein product. Loss-of-function variants in FGFR1 are known to be pathogenic (PMID: 12627230). This variant is not present in population databases (gnomAD no frequency). This variant has not been reported in the literature in individuals affected with FGFR1-related conditions. For these reasons, this variant has been classified as Pathogenic.

Literature cited by the submitters: PubMed 12627230.